The following is an entry in ClinVar:

ClinVar aggregate classification (germline): Uncertain significance (1 of 4 stars; one submission).

Allele frequency attached by ClinVar (database versions not stated): gnomAD exomes 0.00001.
gnomAD v4.1: 6 of 1,610,600 alleles (0.00037%); highest among the groups gnomAD compares: South Asian, 0.0011%; no homozygotes.

Submission:

Labcorp Genetics (formerly Invitae), Labcorp
Classification: Uncertain significance. Last evaluated: 2023-07-25. Review status: criteria provided, single submitter. Criteria: Invitae Variant Classification Sherloc (09022015). Collection method: clinical testing. Allele origin: germline.
Comment: In summary, the available evidence is currently insufficient to determine the role of this variant in disease. Therefore, it has been classified as a Variant of Uncertain Significance. Experimental studies and prediction algorithms are not available or were not evaluated, and the functional significance of this variant is currently unknown. ClinVar contains an entry for this variant (Variation ID: 1410930). This variant has not been reported in the literature in individuals affected with PCLO-related conditions. This variant is present in population databases (no rsID available, gnomAD 0.006%). This sequence change replaces arginine, which is basic and polar, with histidine, which is basic and polar, at codon 3493 of the PCLO protein (p.Arg3493His).

NM_033026.6(PCLO):c.10478G>A (p.Arg3493His)

Gene: PCLO (piccolo presynaptic cytomatrix protein; minus strand). Cytogenetic location: 7q21.11.
Variant type: single nucleotide variant.
Coding change: c.10478G>A on transcript NM_033026.6 (MANE Select); coding-DNA position 10478, G replaced by A.
Protein change: p.Arg3493His; replaces arginine 3493 with histidine.
Molecular consequence: missense variant.
Genome position (GRCh38, 1-based): chr7:82,950,110, C>T on the plus strand (G>A on the coding strand, the complement: PCLO is on the minus strand). VCF-style: chr7-82950110-C-T. GRCh37 (hg19) VCF-style: chr7-82579426-C-T.
Other names: c.10478G>A, p.Arg3493His (NM_014510.3); short protein forms R3493H.
Identifiers: ClinVar variation 1410930 (VCV001410930.8), dbSNP rs1196374557, ClinGen allele CA367903383.